The following is an entry in ClinVar:

NM_000466.3(PEX1):c.1798G>A (p.Gly600Arg)

Gene: PEX1 (peroxisomal biogenesis factor 1; minus strand). Cytogenetic location: 7q21.2.
Variant type: single nucleotide variant.
Coding change: c.1798G>A on transcript NM_000466.3 (MANE Select); coding-DNA position 1798, G replaced by A.
Protein change: p.Gly600Arg; replaces glycine 600 with arginine.
Molecular consequence: missense variant.
Genome position (GRCh38, 1-based): chr7:92,506,999, C>T on the plus strand (G>A on the coding strand, the complement: PEX1 is on the minus strand). VCF-style: chr7-92506999-C-T. GRCh37 (hg19) VCF-style: chr7-92136313-C-T.
Other names: c.1798G>A, p.Gly600Arg (NM_001282677.2); c.1174G>A, p.Gly392Arg (NM_001282678.2); short protein forms G392R, G600R.
Identifiers: ClinVar variation 4998094 (VCV004998094.1).

ClinVar aggregate classification (germline): Uncertain significance (1 of 4 stars; one submission).

Conditions:
PEX1-related disorder. Also called: PEX1-related condition.

gnomAD v4.1: 1 of 1,613,978 alleles (0.000062%); highest among the groups gnomAD compares: Non-Finnish European, 0.000085%; no homozygotes.

Submission:

PreventionGenetics, part of Exact Sciences
Classification: Uncertain significance for PEX1-related condition. Last evaluated: 2025-05-17. Review status: criteria provided, single submitter. Criteria: ACMG Guidelines, 2015. Collection method: clinical testing. Allele origin: germline.
Comment: The PEX1 c.1798G>A variant is predicted to result in the amino acid substitution p.Gly600Arg. To our knowledge, this variant has not been reported in the literature or in a large population database (gnomAD), indicating this variant is rare. At this time, the clinical significance of this variant is uncertain due to the absence of conclusive functional and genetic evidence.